The following is an entry in ClinVar:

ClinVar aggregate classification (germline): Likely pathogenic (1 of 4 stars; one submission).

Conditions:
Autosomal recessive limb-girdle muscular dystrophy. Identifiers: Orphanet 102015, MedGen C2931907, MONDO:0015152.

Submission:

Myriad Genetics, Inc.
Classification: Likely pathogenic for Autosomal recessive limb-girdle muscular dystrophy. Last evaluated: 2019-04-24. Review status: criteria provided, single submitter. Criteria: Myriad Autosomal Dominant, Autosomal Recessive and X-Linked Classification Criteria (2023). Collection method: clinical testing. Allele origin: unknown.
Comment: NM_003494.3(DYSF):c.5992G>T(E1998*) is expected to be pathogenic in the context of dysferlinopathy. This variant is predicted to lead to an abnormal or absent protein product due to the creation of a premature termination codon in DYSF, a gene where loss-of-function variants are known to be pathogenic. Please note: this variant was assessed in the context of healthy population screening.

NM_001130987.2(DYSF):c.6109G>T (p.Glu2037Ter)

Gene: DYSF (dysferlin; plus strand). Cytogenetic location: 2p13.2.
Variant type: single nucleotide variant.
Coding change: c.6109G>T on transcript NM_001130987.2 (MANE Select); coding-DNA position 6109, G replaced by T.
Protein change: p.Glu2037Ter; replaces glutamic acid 2037 with a stop codon.
Molecular consequence: nonsense.
Genome position (GRCh38, 1-based): chr2:71,681,046, G>T. VCF-style: chr2-71681046-G-T. GRCh37 (hg19) VCF-style: chr2-71908176-G-T.
Other names: c.5995G>T, p.Glu1999Ter (NM_001130455.2); c.5950G>T, p.Glu1984Ter (NM_001130976.2); c.6013G>T, p.Glu2005Ter (NM_001130977.2); c.6055G>T, p.Glu2019Ter (NM_001130978.2); c.6085G>T, p.Glu2029Ter (NM_001130979.2); c.6043G>T, p.Glu2015Ter (NM_001130980.2); c.6106G>T, p.Glu2036Ter (NM_001130981.2); c.6088G>T, p.Glu2030Ter (NM_001130982.2); and 5 more; short protein forms E1984*, E1985*, E1998*, E1999*, E2005*, E2006*, E2015*, E2016*.
Identifiers: ClinVar variation 984251 (VCV000984251.4), dbSNP rs2095289978, ClinGen allele CA347226788.